The following is an entry in ClinVar:

NM_018006.5(TRMU):c.27C>A (p.Cys9Ter)

Gene: TRMU (tRNA mitochondrial 2-thiouridylase; plus strand). Cytogenetic location: 22q13.31.
Variant type: single nucleotide variant.
Coding change: c.27C>A on transcript NM_018006.5 (MANE Select); coding-DNA position 27, C replaced by A.
Protein change: p.Cys9Ter; replaces cysteine 9 with a stop codon.
Molecular consequence: nonsense. On other transcripts: 5 prime UTR variant (3), non-coding transcript variant (2).
Genome position (GRCh38, 1-based): chr22:46,335,791, C>A. VCF-style: chr22-46335791-C-A. GRCh37 (hg19) VCF-style: chr22-46731688-C-A.
Other names: c.27C>A, p.Cys9Ter (NM_001008568.2, NM_001008570.2, NM_001282785.2); c.-209C>A (NM_001282782.2); c.-228C>A (NM_001282783.2, NM_001282784.2); short protein forms C9*.
Identifiers: ClinVar variation 2773143 (VCV002773143.4), dbSNP rs1297282365, ClinGen allele CA411938951.

ClinVar aggregate classification (germline): Pathogenic (1 of 4 stars; one submission).

gnomAD v4.1: 2 of 1,560,986 alleles (0.00013%); highest among the groups gnomAD compares: Middle Eastern, 0.017%; no homozygotes.

Submissions (2):

Labcorp Genetics (formerly Invitae), Labcorp
Classification: Pathogenic. Last evaluated: 2023-11-01. Review status: criteria provided, single submitter. Criteria: Invitae Variant Classification Sherloc (09022015). Collection method: clinical testing. Allele origin: germline.
Comment: This sequence change creates a premature translational stop signal (p.Cys9*) in the TRMU gene. It is expected to result in an absent or disrupted protein product. Loss-of-function variants in TRMU are known to be pathogenic (PMID: 19732863, 23625533). This variant is not present in population databases (gnomAD no frequency). This variant has not been reported in the literature in individuals affected with TRMU-related conditions. For these reasons, this variant has been classified as Pathogenic.

Dr. Peter K. Rogan Lab, Western University
No classification provided (evidence only). Condition: Lung cancer. Review status: no classification provided. Collection method: in vitro. Allele origin: not applicable. Functional consequence: retained intron. Not counted in ClinVar's aggregate classification.

Literature cited by the submitters: PubMed 19732863 (cited by Labcorp Genetics (formerly Invitae), Labcorp); PubMed 23625533 (cited by Labcorp Genetics (formerly Invitae), Labcorp).